The following is an entry in ClinVar:

ClinVar aggregate classification (germline): Uncertain significance. Review status: criteria provided, multiple submitters, no conflicts (2 of 4 stars). 6 submissions from 6 submitters: Uncertain significance (5). 1 of the submissions does not count toward it. Last evaluated 2025-08-22.

Conditions:
Familial cancer of breast. Also called: hereditary breast carcinoma; BREAST CANCER, FAMILIAL; Hereditary breast cancer. Identifiers: Orphanet 227535, MedGen C0346153, MONDO:0016419, OMIM 114480. Disease mechanism: loss of function.
Fanconi anemia complementation group J. Also called: BRIP1-Related Fanconi Anemia. Identifiers: Orphanet 84, MedGen C1836860, MONDO:0012187, OMIM 609054.
Hereditary cancer-predisposing syndrome. Also called: Hereditary Cancer Syndrome; Hereditary neoplastic syndrome; Tumor predisposition; Neoplastic Syndromes, Hereditary. Identifiers: Orphanet 140162, MedGen C0027672, MeSH D009386, MONDO:0015356.
Malignant tumor of breast. Also called: Malignant breast neoplasm; Cancer breast. Identifiers: MedGen C0006142, MONDO:0007254. Disease mechanism: loss of function.

Allele frequency attached by ClinVar (database versions not stated): gnomAD exomes 0.00001.
gnomAD v4.1: 3 of 1,614,022 alleles (0.00019%); highest among the groups gnomAD compares: Admixed American, 0.005%; no homozygotes.

Submissions (6):

Ambry Genetics
Classification: Uncertain significance for Hereditary cancer-predisposing syndrome. Last evaluated: 2025-08-22. Review status: criteria provided, single submitter. Criteria: Ambry Variant Classification Scheme 2023. Collection method: clinical testing. Allele origin: germline.
Comment: The p.F934L variant (also known as c.2802T>G), located in coding exon 18 of the BRIP1 gene, results from a T to G substitution at nucleotide position 2802. The phenylalanine at codon 934 is replaced by leucine, an amino acid with highly similar properties. This amino acid position is poorly conserved in available vertebrate species. In addition, this alteration is predicted to be tolerated by in silico analysis. Since supporting evidence is limited at this time, the clinical significance of this alteration remains unclear.

Labcorp Genetics (formerly Invitae), Labcorp
Classification: Uncertain significance for Familial cancer of breast; Fanconi anemia complementation group J. Last evaluated: 2024-05-01. Review status: criteria provided, single submitter. Criteria: Invitae Variant Classification Sherloc (09022015). Collection method: clinical testing. Allele origin: germline.
Comment: This sequence change replaces phenylalanine, which is neutral and non-polar, with leucine, which is neutral and non-polar, at codon 934 of the BRIP1 protein (p.Phe934Leu). This variant is present in population databases (no rsID available, gnomAD 0.006%). This variant has not been reported in the literature in individuals affected with BRIP1-related conditions. ClinVar contains an entry for this variant (Variation ID: 439026). Advanced modeling of protein sequence and biophysical properties (such as structural, functional, and spatial information, amino acid conservation, physicochemical variation, residue mobility, and thermodynamic stability) performed at Invitae indicates that this missense variant is not expected to disrupt BRIP1 protein function with a negative predictive value of 80%. In summary, the available evidence is currently insufficient to determine the role of this variant in disease. Therefore, it has been classified as a Variant of Uncertain Significance.

Baylor Genetics
Classification: Uncertain significance for Familial cancer of breast. Last evaluated: 2023-09-30. Review status: criteria provided, single submitter. Criteria: ACMG Guidelines, 2015. Collection method: clinical testing. Allele origin: unknown.

PreventionGenetics, part of Exact Sciences
Classification: Uncertain significance. Last evaluated: 2017-07-14. Review status: criteria provided, single submitter. Criteria: ACMG Guidelines, 2015. Collection method: clinical testing. Allele origin: germline.

Quest Diagnostics Nichols Institute San Juan Capistrano
Classification: Uncertain significance. Last evaluated: 2017-06-19. Review status: criteria provided, single submitter. Criteria: Quest Diagnostics criteria. Collection method: clinical testing. Allele origin: germline.

Department of Pathology and Laboratory Medicine, Sinai Health System
Classification: Uncertain significance for Malignant tumor of breast. Review status: no assertion criteria provided. Collection method: clinical testing. Allele origin: unknown. Affected: yes. Study: The Canadian Open Genetics Repository (COGR). Not counted in ClinVar's aggregate classification.
Comment: The BRIP1 p.Phe934Leu variant was not identified in the literature. The variant was identified in dbSNP (ID: rs1259968679) as â€šÃ„ÃºNAâ€šÃ„Ã¹, and ClinVar (classified uncertain significance by Invitae, Prevention Genetics and Quest Diagnostics Nichols Institute San Juan Capistrano). The variant was identified in control databases in 3 of 246146 chromosomes at a frequency of 0.00001 (Genome Aggregation Database Feb 27, 2017), observed in the following populations: Other in 1 of 5476 chromosomes (freq: 0.0002) and Latino in 2 of 33578 chromosomes (freq: 0.00006), while not observed in the African, European Non-Finnish, Ashkenazi Jewish, East Asian, European Finnish, and South Asian populations. The p.Phe934 residue is not conserved in mammals and computational analyses (PolyPhen-2, SIFT, AlignGVGD, BLOSUM, MutationTaster) do not suggest a high likelihood the variant Leu impacts the protein; however, this information is not predictive enough to rule out pathogenicity. The variant occurs outside of the splicing consensus sequence and in silico or computational prediction software programs (SpliceSiteFinder, MaxEntScan, NNSPLICE, GeneSplicer) do not predict a difference in splicing. In summary, based on the above information the clinical significance of this variant cannot be determined with certainty at this time. This variant is classified as a variant of uncertain significance.

NM_032043.3(BRIP1):c.2802T>G (p.Phe934Leu)

Gene: BRIP1 (BRCA1 interacting DNA helicase 1; minus strand). Cytogenetic location: 17q23.2.
Variant type: single nucleotide variant.
Coding change: c.2802T>G on transcript NM_032043.3 (MANE Select); coding-DNA position 2802, T replaced by G.
Protein change: p.Phe934Leu; replaces phenylalanine 934 with leucine.
Molecular consequence: missense variant.
Genome position (GRCh38, 1-based): chr17:61,685,939, A>C on the plus strand (T>G on the coding strand, the complement: BRIP1 is on the minus strand). VCF-style: chr17-61685939-A-C. GRCh37 (hg19) VCF-style: chr17-59763300-A-C.
Other names: short protein forms F934L.
Identifiers: ClinVar variation 439026 (VCV000439026.20), dbSNP rs1259968679, ClinGen allele CA400481501.